The following is an entry in ClinVar:

NM_020822.3(KCNT1):c.1719C>T (p.Arg573=)

Gene: KCNT1 (potassium sodium-activated channel subfamily T member 1; plus strand). Cytogenetic location: 9q34.3.
Variant type: single nucleotide variant.
Coding change: c.1719C>T on transcript NM_020822.3 (MANE Select); coding-DNA position 1719, C replaced by T.
Protein change: p.Arg573=; no amino-acid change (arginine 573 retained).
Molecular consequence: synonymous variant.
Genome position (GRCh38, 1-based): chr9:135,770,397, C>T. VCF-style: chr9-135770397-C-T. GRCh37 (hg19) VCF-style: chr9-138662243-C-T.
Other names: c.1584C>T, p.Arg528= (NM_001272003.2).
Identifiers: ClinVar variation 2940089 (VCV002940089.3), dbSNP rs1364420470, ClinGen allele CA467698543.
Genomic context (GRCh38, chr9:135,770,397, plus strand): 5'-TGGGCGCTGCTCCGGCAACGAGGTGTACCACATCCGCATGGGTGACAGCAAGTTCTTCCG[C>T]GAGTACGAGGGCAAGAGCTTCACCTACGCGGCCTTCCACGCCCACAAGAAGTAAGGCCGG-3'
Protein context (NP_065873.2, residues 563-583): HIRMGDSKFF[Arg573=]EYEGKSFTYA

ClinVar aggregate classification (germline): Uncertain significance (1 of 4 stars; one submission).

Conditions:
Autosomal dominant nocturnal frontal lobe epilepsy 5. Also called: Epilepsy, nocturnal frontal lobe, 5; CILIARY DYSKINESIA, PRIMARY, 28, WITHOUT SITUS INVERSUS; CILIARY DYSKINESIA, PRIMARY, 28, WITH SITUS INVERSUS; KCNT1-Related Epilepsy. Identifiers: Orphanet 98784, MedGen C3554306, MONDO:0014002, OMIM 615005.
Developmental and epileptic encephalopathy, 14 (DEE14). Also called: Early infantile epileptic encephalopathy 14. Identifiers: Orphanet 293181, MedGen C3554195, MONDO:0013989, OMIM 614959.

gnomAD v4.1: 4 of 1,613,240 alleles (0.00025%); highest among the groups gnomAD compares: Non-Finnish European, 0.00034%; no homozygotes.

Submission:

Labcorp Genetics (formerly Invitae), Labcorp
Classification: Uncertain significance for Autosomal dominant nocturnal frontal lobe epilepsy 5; Developmental and epileptic encephalopathy, 14. Last evaluated: 2025-10-01. Review status: criteria provided, single submitter. Criteria: Invitae Variant Classification Sherloc (09022015). Collection method: clinical testing. Allele origin: germline.
Comment: This sequence change affects codon 573 of the KCNT1 mRNA. It is a 'silent' change, meaning that it does not change the encoded amino acid sequence of the KCNT1 protein. This variant is not present in population databases (gnomAD no frequency). This variant has not been reported in the literature in individuals affected with KCNT1-related conditions. ClinVar contains an entry for this variant (Variation ID: 2940089). Algorithms developed to predict the effect of sequence changes on RNA splicing suggest that this variant may create or strengthen a splice site. In summary, the available evidence is currently insufficient to determine the role of this variant in disease. Therefore, it has been classified as a Variant of Uncertain Significance.